The following is an entry in ClinVar:

NM_003848.4(SUCLG2):c.1082A>G (p.Asn361Ser)

Gene: SUCLG2 (succinate-CoA ligase GDP-forming subunit beta; minus strand). Cytogenetic location: 3p14.1.
Variant type: single nucleotide variant.
Coding change: c.1082A>G on transcript NM_003848.4 (MANE Select); coding-DNA position 1082, A replaced by G.
Protein change: p.Asn361Ser; replaces asparagine 361 with serine.
Molecular consequence: missense variant.
Genome position (GRCh38, 1-based): chr3:67,400,832, T>C on the plus strand (A>G on the coding strand, the complement: SUCLG2 is on the minus strand). VCF-style: chr3-67400832-T-C. GRCh37 (hg19) VCF-style: chr3-67451256-T-C.
Other names: c.1082A>G, p.Asn361Ser (NM_001177599.2); c.1082A>G (NM_001177599.1); short protein forms N361S.
Identifiers: ClinVar variation 684536 (VCV000684536.6), dbSNP rs746196486, ClinGen allele CA2485786.
Genomic context (GRCh38, chr3:67,400,832, plus strand): 5'-CGGCAGGCTTTGGTGATCCCATTGGCAATGATGGCACAGTTGACGATACCACCAAATATA[T>C]TGACAAGGATGGCTTCAACCTGAAATCAAAAATAAAAAGTTACCAATCAAAATGCTGATC-3'
Protein context (NP_003839.2, residues 351-371): ADPKVEAILV[Asn361Ser]IFGGIVNCAI

ClinVar aggregate classification (germline): Uncertain significance. Review status: criteria provided, multiple submitters, no conflicts (2 of 4 stars). 2 submissions from 2 submitters: Uncertain significance (2). Last evaluated 2025-10-01.

Conditions:
Mitochondrial DNA depletion syndrome 9 (MTDPS9). Also called: SUCLG1-Related Mitochondrial DNA Depletion Syndrome, Encephalomyopathic Form with Methylmalonic Aciduria. Identifiers: Orphanet 17, MedGen C3151476, MONDO:0009504, OMIM 245400.

Allele frequency attached by ClinVar (database versions not stated): ExAC 0.00001; gnomAD 0.00003 and 0.00004; gnomAD exomes 0.00003 and 0.00007; TOPMed 0.00003.
gnomAD v4.1: 103 of 1,612,792 alleles (0.0064%); highest among the groups gnomAD compares: Non-Finnish European, 0.0082%; no homozygotes.

Submissions (2):

Labcorp Genetics (formerly Invitae), Labcorp
Classification: Uncertain significance. Last evaluated: 2025-10-01. Review status: criteria provided, single submitter. Criteria: Invitae Variant Classification Sherloc (09022015). Collection method: clinical testing. Allele origin: germline.
Comment: This sequence change replaces asparagine, which is neutral and polar, with serine, which is neutral and polar, at codon 361 of the SUCLG2 protein (p.Asn361Ser). This variant is present in population databases (rs746196486, gnomAD 0.006%). This variant has not been reported in the literature in individuals affected with SUCLG2-related conditions. ClinVar contains an entry for this variant (Variation ID: 684536). An algorithm developed to predict the effect of missense changes on protein structure and function (PolyPhen-2) suggests that this variant is likely to be disruptive. In summary, the available evidence is currently insufficient to determine the role of this variant in disease. Therefore, it has been classified as a Variant of Uncertain Significance.

Ambry Genetics
Classification: Uncertain significance. Last evaluated: 2023-01-31. Review status: criteria provided, single submitter. Criteria: Ambry Variant Classification Scheme 2023. Collection method: clinical testing. Allele origin: germline.